The following is an entry in ClinVar:

NM_001077415.3(CRELD1):c.1246T>C (p.Phe416Leu)

Gene: CRELD1 (cysteine rich with EGF like domains 1; plus strand). Cytogenetic location: 3p25.3.
Variant type: single nucleotide variant.
Coding change: c.1246T>C on transcript NM_001077415.3 (MANE Select); coding-DNA position 1246, T replaced by C.
Protein change: p.Phe416Leu; replaces phenylalanine 416 with leucine.
Molecular consequence: missense variant. On other transcripts: 3 prime UTR variant (3), non-coding transcript variant (3).
Genome position (GRCh38, 1-based): chr3:9,944,562, T>C. VCF-style: chr3-9944562-T-C. GRCh37 (hg19) VCF-style: chr3-9986246-T-C.
Other names: c.1246T>C, p.Phe416Leu (NM_001374316.1, NM_015513.6); c.*171T>C (NM_001374317.1, NM_001374318.1, NM_001031717.4); c.1162T>C, p.Phe388Leu (NM_001374319.1, NM_001374320.1); c.*811T>C (NM_001410713.1); short protein forms F388L, F416L.
Identifiers: ClinVar variation 2429682 (VCV002429682.1), dbSNP rs2470527333, ClinGen allele CA351732319.

ClinVar aggregate classification (germline): Uncertain significance (1 of 4 stars; one submission).

Submission:

GeneDx
Classification: Uncertain significance. Last evaluated: 2022-08-07. Review status: criteria provided, single submitter. Criteria: GeneDx Variant Classification Process June 2021. Collection method: clinical testing. Allele origin: germline. Affected: yes.
Comment: Not observed at significant frequency in large population cohorts (gnomAD); In silico analysis supports that this missense variant does not alter protein structure/function; Has not been previously published as pathogenic or benign to our knowledge